The following is an entry in ClinVar:

ClinVar aggregate classification (germline): Uncertain significance (1 of 4 stars; one submission).

Conditions:
Cardiomyopathy (CMYO). Also called: Cardiomyopathies. Identifiers: Orphanet 167848, MedGen C0878544, MONDO:0004994, HP:0001638. Inheritance: Various modes of inheritance.

Submission:

Color Diagnostics, LLC DBA Color Health
Classification: Uncertain significance for Cardiomyopathy. Last evaluated: 2024-03-06. Review status: criteria provided, single submitter. Criteria: ACMG Guidelines, 2015. Collection method: clinical testing. Allele origin: germline.
Comment: This missense variant replaces methionine with lysine at codon 729 of the DSP protein. Computational prediction suggests that this variant may not impact protein structure and function (internally defined REVEL score threshold <= 0.5, PMID: 27666373). Splice site prediction tools suggest that this variant may not impact RNA splicing. To our knowledge, functional studies have not been performed for this variant. This variant has not been reported in individuals affected with cardiovascular disorders in the literature. This variant has not been identified in the general population by the Genome Aggregation Database (gnomAD). The available evidence is insufficient to determine the role of this variant in disease conclusively. Therefore, this variant is classified as a Variant of Uncertain Significance.

NM_004415.4(DSP):c.2186T>A (p.Met729Lys)

Gene: DSP (desmoplakin; plus strand). Cytogenetic location: 6p24.3.
Variant type: single nucleotide variant.
Coding change: c.2186T>A on transcript NM_004415.4 (MANE Select); coding-DNA position 2186, T replaced by A.
Protein change: p.Met729Lys; replaces methionine 729 with lysine.
Molecular consequence: missense variant.
Genome position (GRCh38, 1-based): chr6:7,574,141, T>A. VCF-style: chr6-7574141-T-A. GRCh37 (hg19) VCF-style: chr6-7574374-T-A.
Other names: c.2186T>A, p.Met729Lys (NM_001008844.3, NM_001319034.2); short protein forms M729K.
Identifiers: ClinVar variation 921223 (VCV000921223.4), dbSNP rs758200210, ClinGen allele CA362680756.
Genomic context (GRCh38, chr6:7,574,141, plus strand): 5'-GACAGAGTGTGCAGAATGATTCACAAGCAATTGCTGAGGTTCTCAACCAGCTTAAAGATA[T>A]GCTTGCCAACTTCAGAGGTTCTGAAAAGTACTGCTATTTACAGAATGAAGTATTTGGACT-3'
Protein context (NP_004406.2, residues 719-739): IAEVLNQLKD[Met729Lys]LANFRGSEKY